The following is an entry in ClinVar:

ClinVar aggregate classification (germline): Uncertain significance (1 of 4 stars; one submission).

Submission:

GeneDx
Classification: Uncertain significance. Last evaluated: 2024-09-30. Review status: criteria provided, single submitter. Criteria: GeneDx Variant Classification Process June 2021. Collection method: clinical testing. Allele origin: germline. Affected: yes.
Comment: Not observed at significant frequency in large population cohorts (gnomAD); In silico analysis indicates that this missense variant does not alter protein structure/function; Has not been previously published as pathogenic or benign to our knowledge

NM_005422.4(TECTA):c.6233G>A (p.Gly2078Glu)

Genes: TECTA (tectorin alpha; plus strand), TBCEL-TECTA (TBCEL-TECTA readthrough; plus strand). Cytogenetic location: 11q23.3.
Variant type: single nucleotide variant.
Coding change: c.6233G>A on transcript NM_005422.4 (MANE Select); coding-DNA position 6233, G replaced by A.
Protein change: p.Gly2078Glu; replaces glycine 2078 with glutamic acid.
Molecular consequence: missense variant.
Genome position (GRCh38, 1-based): chr11:121,189,150, G>A. VCF-style: chr11-121189150-G-A. GRCh37 (hg19) VCF-style: chr11-121059859-G-A.
Other names: c.7175G>A, p.Gly2392Glu (NM_001378761.1); short protein forms G2078E, G2392E.
Identifiers: ClinVar variation 3774979 (VCV003774979.1).